The following is an entry in ClinVar:

NM_014738.6(TMEM94):c.2920C>T (p.Leu974Phe)

Gene: TMEM94 (transmembrane protein 94; plus strand). Cytogenetic location: 17q25.1.
Variant type: single nucleotide variant.
Coding change: c.2920C>T on transcript NM_014738.6 (MANE Select); coding-DNA position 2920, C replaced by T.
Protein change: p.Leu974Phe; replaces leucine 974 with phenylalanine.
Molecular consequence: missense variant.
Genome position (GRCh38, 1-based): chr17:75,495,619, C>T. VCF-style: chr17-75495619-C-T. GRCh37 (hg19) VCF-style: chr17-73491700-C-T.
Other names: c.2950C>T, p.Leu984Phe (NM_001321148.2, NM_001438844.1); c.2932C>T, p.Leu978Phe (NM_001321149.2); c.2872C>T, p.Leu958Phe (NM_001351202.2); c.2947C>T, p.Leu983Phe (NM_001351203.2); c.2920C>T, p.Leu974Phe (NM_001438841.1, NM_001438847.1); c.2962C>T, p.Leu988Phe (NM_001438842.1, NM_001438843.1); c.2929C>T, p.Leu977Phe (NM_001438845.1); c.2902C>T, p.Leu968Phe (NM_001438846.1); and 1 more; short protein forms L984F, L958F, L968F, L974F, L977F, L978F, L971F, L983F.
Identifiers: ClinVar variation 5003018 (VCV005003018.1).
Genomic context (GRCh38, chr17:75,495,619, plus strand): 5'-GGTATCCACCAAGTGCGGCCCCACCTGCAGAACATTGACAACGTGCCCCTGCTAGTGCCC[C>T]TTTTCACCGACTGCACCCCAGAGAGTGAGTGCTGTGGCCATGGGTACTTGGGCAACCTGG-3'
Protein context (NP_055553.3, residues 964-984): NIDNVPLLVP[Leu974Phe]FTDCTPETMC

ClinVar aggregate classification (germline): Uncertain significance (1 of 4 stars; one submission).

Conditions:
Intellectual developmental disorder with cardiac defects and dysmorphic facies (IDDCDF). Identifiers: Orphanet 562569, MedGen C5193024, MONDO:0032672, OMIM 618316.

gnomAD v4.1: 1 of 1,613,594 alleles (0.000062%); highest among the groups gnomAD compares: Non-Finnish European, 0.000085%; no homozygotes.

Submission:

OLLIN Analises Genomicas, OLLIN
Classification: Uncertain significance for Intellectual developmental disorder with cardiac defects and dysmorphic facies. Last evaluated: 2026-08-06. Review status: criteria provided, single submitter. Criteria: ACMG Guidelines 2015 PMID 25741868. Collection method: clinical testing. Allele origin: germline.
Comment: This missense variant, located in exon 22 (of 32), is absent from gnomAD and ClinVar and has not been identified in the literature. In silico analysis is inconclusive regarding the impact of this variant. This gene has high tolerance to missense variation. According to the currently available evidence, this variant has been classified as uncertain significance (PM2_P, BP1).